The following is an entry in ClinVar:

ClinVar aggregate classification (germline): Likely pathogenic. Review status: criteria provided, multiple submitters, no conflicts (2 of 4 stars). 4 submissions from 4 submitters: Likely pathogenic (3). 1 of the submissions does not count toward it. Last evaluated 2025-03-19.

Conditions:
Hereditary cancer-predisposing syndrome. Also called: Neoplastic Syndromes, Hereditary; Hereditary neoplastic syndrome; Tumor predisposition; Hereditary Cancer Syndrome. Identifiers: Orphanet 140162, MedGen C0027672, MeSH D009386, MONDO:0015356.
Breast carcinoma. Also called: Carcinoma of breast. Identifiers: MedGen C0678222, MONDO:0004989, HP:0003002.
Familial cancer of breast. Also called: Hereditary breast cancer; BREAST CANCER, FAMILIAL; hereditary breast carcinoma. Identifiers: Orphanet 227535, MedGen C0346153, MONDO:0016419, OMIM 114480. Disease mechanism: loss of function.

Submissions (4):

Ambry Genetics
Classification: Likely pathogenic for Hereditary cancer-predisposing syndrome. Last evaluated: 2025-03-19. Review status: criteria provided, single submitter. Criteria: Ambry Variant Classification Scheme 2023. Collection method: clinical testing. Allele origin: germline.
Comment: The c.1903+2T>C intronic variant results from a T to C substitution two nucleotides after coding exon 9 in the BARD1 gene. This nucleotide position is highly conserved in available vertebrate species. In silico splice site analysis predicts that this alteration will weaken the native splice donor site; however, direct evidence is insufficient at this time (Ambry internal data). Alterations that disrupt the canonical splice site are expected to cause aberrant splicing, resulting in an abnormal protein or a transcript that is subject to nonsense-mediated mRNA decay. As such, this alteration is classified as likely pathogenic.

Myriad Genetics, Inc.
Classification: Likely pathogenic for Familial cancer of breast. Last evaluated: 2023-05-24. Review status: criteria provided, single submitter. Criteria: Myriad Autosomal Dominant, Autosomal Recessive and X-Linked Classification Criteria (2023). Collection method: clinical testing. Allele origin: unknown.
Comment: This variant is considered likely pathogenic. This variant occurs within a consensus splice junction and is predicted to result in abnormal mRNA splicing of either an out-of-frame exon or an in-frame exon necessary for protein stability and/or normal function.

Labcorp Genetics (formerly Invitae), Labcorp
Classification: Likely pathogenic for Familial cancer of breast. Last evaluated: 2022-11-06. Review status: criteria provided, single submitter. Criteria: Invitae Variant Classification Sherloc (09022015). Collection method: clinical testing. Allele origin: germline.
Comment: This sequence change affects a donor splice site in intron 9 of the BARD1 gene. It is expected to disrupt RNA splicing. Variants that disrupt the donor or acceptor splice site typically lead to a loss of protein function (PMID: 16199547), and loss-of-function variants in BARD1 are known to be pathogenic (PMID: 20077502, 21344236). This variant is not present in population databases (gnomAD no frequency). This variant has not been reported in the literature in individuals affected with BARD1-related conditions. ClinVar contains an entry for this variant (Variation ID: 665601). Algorithms developed to predict the effect of sequence changes on RNA splicing suggest that this variant may disrupt the consensus splice site. In summary, the currently available evidence indicates that the variant is pathogenic, but additional data are needed to prove that conclusively. Therefore, this variant has been classified as Likely Pathogenic.

Medical Genetics Laboratory, Umraniye Training and Research Hospital, University of Health Sciences
Classification: Pathogenic for Breast carcinoma. Last evaluated: 2021-08-10. Review status: no assertion criteria provided. Collection method: clinical testing. Allele origin: germline. Inheritance: Autosomal dominant inheritance. Affected: yes. Observed: 1 variant allele, 1 heterozygote. Not counted in ClinVar's aggregate classification.

Literature cited by the submitters: PubMed 16199547 (cited by Labcorp Genetics (formerly Invitae), Labcorp); PubMed 20077502 (cited by Labcorp Genetics (formerly Invitae), Labcorp); PubMed 21344236 (cited by Labcorp Genetics (formerly Invitae), Labcorp).

NM_000465.4(BARD1):c.1903+2T>C

Gene: BARD1 (BRCA1 associated RING domain 1; minus strand). Cytogenetic location: 2q35.
Variant type: single nucleotide variant.
Coding change: c.1903+2T>C on transcript NM_000465.4 (MANE Select); the canonical splice donor site of the intron after coding-DNA position 1903, T replaced by C.
Molecular consequence: splice donor variant. On other transcripts: intron variant (1).
Genome position (GRCh38, 1-based): chr2:214,745,065, A>G on the plus strand (T>C on the coding strand, the complement: BARD1 is on the minus strand). VCF-style: chr2-214745065-A-G. GRCh37 (hg19) VCF-style: chr2-215609789-A-G.
Other names: c.493+2T>C (NM_001282548.2); c.1846+2T>C (NM_001282543.2); c.550+2T>C (NM_001282545.2); c.365-14557T>C (NM_001282549.2); c.1903+2T>C (NM_000465.2).
Identifiers: ClinVar variation 665601 (VCV000665601.13), dbSNP rs1574737047, ClinGen allele CA350452039.
Genomic context (GRCh38, chr2:214,745,065, plus strand): 5'-ATAACCATGAAAAACAAAACTAGTCTAATTCATTTCTTAATTCTCTCAAATCCAACACTT[A>G]CATTCAAATTTTAGAATCCAGCATCCATTGAGAATCCCAAGCATACACTTCAAGGTACTT-3'